The following is an entry in ClinVar:

ClinVar aggregate classification (germline): Benign (1 of 4 stars; one submission).

Conditions:
Dermatofibrosis lenticularis disseminata (BOS). Also called: DERMATOFIBROSIS LENTICULARIS DISSEMINATA WITH OSTEOPOIKILOSIS; DERMATOOSTEOPOIKILOSIS; OSTEOPATHIA CONDENSANS DISSEMINATA. Identifiers: Orphanet 1306, MedGen C0265514, MONDO:0008157, OMIM 166700.

Allele frequency attached by ClinVar (database versions not stated): 1000 Genomes Project 30x 0.00125; 1000 Genomes Project 0.00140; gnomAD 0.00219 and 0.00238; TOPMed 0.00235.

Submission:

Illumina Laboratory Services, Illumina
Classification: Benign for Dermatofibrosis lenticularis disseminata. Last evaluated: 2018-01-13. Review status: criteria provided, single submitter. Criteria: ICSL Variant Classification Criteria 13 December 2019. Collection method: clinical testing. Allele origin: germline.
Comment: This variant was observed in the ICSL laboratory as part of a predisposition screen in an ostensibly healthy population. It had not been previously curated by ICSL or reported in the Human Gene Mutation Database (HGMD: prior to June 1st, 2018), and was therefore a candidate for classification through an automated scoring system. Utilizing variant allele frequency, disease prevalence and penetrance estimates, and inheritance mode, an automated score was calculated to assess if this variant is too frequent to cause the disease. Based on the score and internal cut-off values, a variant classified as benign is not then subjected to further curation. The score for this variant resulted in a classification of benign for this disease.

NM_014319.5(LEMD3):c.*1481C>T

Gene: LEMD3 (LEM domain containing 3; plus strand). Cytogenetic location: 12q14.3.
Variant type: single nucleotide variant.
Coding change: c.*1481C>T on transcript NM_014319.5 (MANE Select); 1481 bases downstream of the stop codon, C replaced by T.
Molecular consequence: 3 prime UTR variant.
Genome position (GRCh38, 1-based): chr12:65,247,806, C>T. VCF-style: chr12-65247806-C-T. GRCh37 (hg19) VCF-style: chr12-65641586-C-T.
Other names: c.*1481C>T (NM_001167614.2).
Identifiers: ClinVar variation 310259 (VCV000310259.5), dbSNP rs113095916, ClinGen allele CA10642351.